The following is an entry in ClinVar:

NM_018417.6(ADCY10):c.2056G>A (p.Val686Ile)

Gene: ADCY10 (adenylate cyclase 10; minus strand). Cytogenetic location: 1q24.2.
Variant type: single nucleotide variant.
Coding change: c.2056G>A on transcript NM_018417.6 (MANE Select); coding-DNA position 2056, G replaced by A.
Protein change: p.Val686Ile; replaces valine 686 with isoleucine.
Molecular consequence: missense variant.
Genome position (GRCh38, 1-based): chr1:167,856,280, C>T on the plus strand (G>A on the coding strand, the complement: ADCY10 is on the minus strand). VCF-style: chr1-167856280-C-T. GRCh37 (hg19) VCF-style: chr1-167825518-C-T.
Other names: c.1597G>A, p.Val533Ile (NM_001167749.3); c.1780G>A, p.Val594Ile (NM_001297772.2); short protein forms V533I, V594I, V686I.
Identifiers: ClinVar variation 1006916 (VCV001006916.6), dbSNP rs373573088, ClinGen allele CA1227746.

ClinVar aggregate classification (germline): Uncertain significance. Review status: criteria provided, multiple submitters, no conflicts (2 of 4 stars). 2 submissions from 2 submitters: Uncertain significance (2). Last evaluated 2023-08-16.

Conditions:
Familial idiopathic hypercalciuria (HCA2). Also called: Hypercalciuria, absorptive, 2; Hypercalciuria, absorptive, susceptibility to. Identifiers: MedGen C0342639, MONDO:0007748, OMIM 143870.

Allele frequency attached by ClinVar (database versions not stated): ExAC 0.00002; gnomAD exomes 0.00003 and 0.00006; TOPMed 0.00006; ESP Exome Variant Server 0.00015.
gnomAD v4.1: 95 of 1,613,732 alleles (0.0059%); highest among the groups gnomAD compares: Non-Finnish European, 0.0073%; no homozygotes.

Submissions (2):

Labcorp Genetics (formerly Invitae), Labcorp
Classification: Uncertain significance. Last evaluated: 2023-08-16. Review status: criteria provided, single submitter. Criteria: Invitae Variant Classification Sherloc (09022015). Collection method: clinical testing. Allele origin: germline.
Comment: This sequence change replaces valine, which is neutral and non-polar, with isoleucine, which is neutral and non-polar, at codon 686 of the ADCY10 protein (p.Val686Ile). This variant is present in population databases (rs373573088, gnomAD 0.007%). This variant has not been reported in the literature in individuals affected with ADCY10-related conditions. ClinVar contains an entry for this variant (Variation ID: 1006916). Algorithms developed to predict the effect of missense changes on protein structure and function output the following: SIFT: "Not Available"; PolyPhen-2: "Benign"; Align-GVGD: "Not Available". The isoleucine amino acid residue is found in multiple mammalian species, which suggests that this missense change does not adversely affect protein function. In summary, the available evidence is currently insufficient to determine the role of this variant in disease. Therefore, it has been classified as a Variant of Uncertain Significance.

Fulgent Genetics
Classification: Uncertain significance for Familial idiopathic hypercalciuria. Last evaluated: 2021-12-26. Review status: criteria provided, single submitter. Criteria: ACMG Guidelines, 2015. Collection method: clinical testing. Allele origin: unknown.